The following is an entry in ClinVar:

NM_173495.3(PTCHD1):c.277T>C (p.Tyr93His)

Gene: PTCHD1 (patched domain containing 1; plus strand). Cytogenetic location: Xp22.11.
Variant type: single nucleotide variant.
Coding change: c.277T>C on transcript NM_173495.3 (MANE Select); coding-DNA position 277, T replaced by C.
Protein change: p.Tyr93His; replaces tyrosine 93 with histidine.
Molecular consequence: missense variant.
Genome position (GRCh38, 1-based): chrX:23,335,152, T>C. VCF-style: chrX-23335152-T-C. GRCh37 (hg19) VCF-style: chrX-23353269-T-C.
Other names: short protein forms Y93H.
Identifiers: ClinVar variation 5019802 (VCV005019802.2).

ClinVar aggregate classification (germline): Uncertain significance (1 of 4 stars; one submission).

Conditions:
Autism, susceptibility to, X-linked 4 (AUTSX4). Identifiers: MedGen C0795888, MONDO:0010440, OMIM 300830.

Submission:

Juno Genomics, Hangzhou Juno Genomics, Inc
Classification: Uncertain significance for Autism, susceptibility to, X-linked 4. Review status: criteria provided, single submitter. Criteria: ACMG Guidelines, 2015. Collection method: clinical testing. Allele origin: germline.
Comment: Absent from controls (or at extremely low frequency if recessive) in Genome Aggregation Database.;Multiple lines of computational evidence support a deleterious effect on the gene or gene product.